The following is an entry in ClinVar:

ClinVar aggregate classification (germline): Uncertain significance (1 of 4 stars; one submission).

Conditions:
Werner syndrome (WRN). Identifiers: Orphanet 902, MedGen C0043119, MONDO:0010196, OMIM 277700.

Submission:

Labcorp Genetics (formerly Invitae), Labcorp
Classification: Uncertain significance for Werner syndrome. Last evaluated: 2023-10-28. Review status: criteria provided, single submitter. Criteria: Invitae Variant Classification Sherloc (09022015). Collection method: clinical testing. Allele origin: germline.
Comment: This sequence change replaces leucine, which is neutral and non-polar, with valine, which is neutral and non-polar, at codon 1232 of the WRN protein (p.Leu1232Val). This variant is not present in population databases (gnomAD no frequency). This variant has not been reported in the literature in individuals affected with WRN-related conditions. An algorithm developed to predict the effect of missense changes on protein structure and function (PolyPhen-2) suggests that this variant is likely to be tolerated. In summary, the available evidence is currently insufficient to determine the role of this variant in disease. Therefore, it has been classified as a Variant of Uncertain Significance.

NM_000553.6(WRN):c.3694C>G (p.Leu1232Val)

Gene: WRN (WRN RecQ like helicase; plus strand). Cytogenetic location: 8p12.
Variant type: single nucleotide variant.
Coding change: c.3694C>G on transcript NM_000553.6 (MANE Select); coding-DNA position 3694, C replaced by G.
Protein change: p.Leu1232Val; replaces leucine 1232 with valine.
Molecular consequence: missense variant.
Genome position (GRCh38, 1-based): chr8:31,154,630, C>G. VCF-style: chr8-31154630-C-G. GRCh37 (hg19) VCF-style: chr8-31012146-C-G.
Other names: short protein forms L1232V.
Identifiers: ClinVar variation 2772204 (VCV002772204.3), dbSNP rs1350215266, ClinGen allele CA370928843.